The following is an entry in ClinVar:

NM_002292.4(LAMB2):c.1226-5G>A

Gene: LAMB2 (laminin subunit beta 2; minus strand). Cytogenetic location: 3p21.31.
Variant type: single nucleotide variant.
Coding change: c.1226-5G>A on transcript NM_002292.4 (MANE Select); 5 bases into the intron before coding-DNA position 1226, G replaced by A.
Molecular consequence: intron variant.
Genome position (GRCh38, 1-based): chr3:49,130,023, C>T on the plus strand (G>A on the coding strand, the complement: LAMB2 is on the minus strand). VCF-style: chr3-49130023-C-T. GRCh37 (hg19) VCF-style: chr3-49167456-C-T.
Identifiers: ClinVar variation 704823 (VCV000704823.11), dbSNP rs545564814, ClinGen allele CA2394647.

ClinVar aggregate classification (germline): Benign/Likely benign. Review status: criteria provided, multiple submitters, no conflicts (2 of 4 stars). 3 submissions from 3 submitters: Benign (1); Likely benign (1). 1 of the submissions does not count toward it. Last evaluated 2026-07-01.

Conditions:
LAMB2-related disorder. Also called: LAMB2-related condition.
LAMB2-related infantile-onset nephrotic syndrome. Also called: NEPHROTIC SYNDROME, TYPE 5, WITHOUT OCULAR ABNORMALITIES; NEPHROTIC SYNDROME, TYPE 5, WITH OCULAR ABNORMALITIES; Nephrotic Syndrome, type 5. Identifiers: Orphanet 306507, MedGen C3280113, MONDO:0013621, OMIM 614199.
Pierson syndrome. Also called: MICROCORIA-CONGENITAL NEPHROTIC SYNDROME. Identifiers: Orphanet 2670, MedGen C1836876, MONDO:0012184, OMIM 609049.

Allele frequency attached by ClinVar (database versions not stated): gnomAD 0.00006 and 0.00007; gnomAD exomes 0.00011 and 0.00049; 1000 Genomes Project 0.00020; TOPMed 0.00020; 1000 Genomes Project 30x 0.00031; ExAC 0.00050.
gnomAD v4.1: 162 of 1,613,694 alleles (0.01%); highest among the groups gnomAD compares: Admixed American, 0.22%; no homozygotes.

Submissions (3):

CeGaT Center for Human Genetics Tuebingen
Classification: Likely benign. Last evaluated: 2026-07-01. Review status: criteria provided, single submitter. Criteria: CeGaT Center For Human Genetics Tuebingen Variant Classification Criteria Version 2. Collection method: clinical testing. Allele origin: germline. Affected: yes. Observed: 1 variant allele.
Comment: LAMB2: BP4

Labcorp Genetics (formerly Invitae), Labcorp
Classification: Benign for LAMB2-related infantile-onset nephrotic syndrome; Pierson syndrome. Last evaluated: 2026-01-20. Review status: criteria provided, single submitter. Criteria: Invitae Variant Classification Sherloc (09022015). Collection method: clinical testing. Allele origin: germline.

PreventionGenetics, part of Exact Sciences
Classification: Likely benign for LAMB2-related condition. Last evaluated: 2019-07-03. Review status: no assertion criteria provided. Collection method: clinical testing. Allele origin: germline. Not counted in ClinVar's aggregate classification.
Comment: This variant is classified as likely benign based on ACMG/AMP sequence variant interpretation guidelines (Richards et al. 2015 PMID: 25741868, with internal and published modifications).